The following is an entry in ClinVar:

ClinVar aggregate classification (germline): Likely pathogenic (1 of 4 stars; one submission).

Conditions:
Niemann-Pick disease, type A. Also called: SPHINGOMYELIN LIPIDOSIS; SPHINGOMYELINASE DEFICIENCY; Infantile Neurovisceral ASMD (Niemann-Pick Disease Type A; NPD-A). Identifiers: Orphanet 77292, MedGen C0268242, MONDO:0009756, OMIM 257200. Disease mechanism: loss of function.

Submission:

Neuberg Centre For Genomic Medicine, NCGM
Classification: Likely pathogenic for Niemann-Pick disease, type A. Last evaluated: 2024-02-01. Review status: criteria provided, single submitter. Criteria: ACMG Guidelines, 2015. Collection method: clinical testing. Allele origin: germline. Inheritance: Autosomal recessive inheritance. Affected: yes.
Comment: The stop gained c.1500C>A (p.Tyr500Ter) variant in SMPD1 gene has not been reported previously as a pathogenic variant nor as a benign variant, to our knowledge. This variant is predicted to cause loss of normal protein function through protein truncation. Loss of function variants in SMPD1 gene have been previously reported to be disease causing (Wang et al., 2023). Although the variant is present in the last exon, multiple loss of function variants have been reported downstream to this position, to our knowledge. Additional functional studies will be required to prove the pathogenicity of this variant conclusively.

NM_000543.5(SMPD1):c.1500C>A (p.Tyr500Ter)

Gene: SMPD1 (sphingomyelin phosphodiesterase 1; plus strand). Cytogenetic location: 11p15.4.
Variant type: single nucleotide variant.
Coding change: c.1500C>A on transcript NM_000543.5 (MANE Select); coding-DNA position 1500, C replaced by A.
Protein change: p.Tyr500Ter; replaces tyrosine 500 with a stop codon.
Molecular consequence: nonsense. On other transcripts: missense variant (1), non-coding transcript variant (2).
Genome position (GRCh38, 1-based): chr11:6,394,211, C>A. VCF-style: chr11-6394211-C-A. GRCh37 (hg19) VCF-style: chr11-6415441-C-A.
Other names: c.1497C>A, p.Tyr499Ter (NM_001007593.3); c.1520C>A, p.Thr507Asn (NM_001318087.2); c.579C>A, p.Tyr193Ter (NM_001318088.2); c.1368C>A, p.Tyr456Ter (NM_001365135.2); short protein forms T507N, Y193*, Y456*, Y499*, Y500*.
Identifiers: ClinVar variation 3895521 (VCV003895521.1).
Genomic context (GRCh38, chr11:6,394,211, plus strand): 5'-AGTTACCCTTGCTCCTTGCCCCTCCAGTCAGCCCCACATCCTTGCAGGTTACCGTGTGTA[C>A]CAAATAGATGGAAACTACTCCGGGAGCTCTCACGTGGTCCTGGACCATGAGACCTACATC-3'